The following is an entry in ClinVar:

ClinVar aggregate classification (germline): Likely pathogenic (1 of 4 stars; one submission).

Allele frequency attached by ClinVar (database versions not stated): gnomAD exomes below 0.00001 and 0.00002; ExAC 0.00002; gnomAD 0.00002 and 0.00003; TOPMed 0.00002; ESP Exome Variant Server 0.00008; 1000 Genomes Project 30x 0.00016; 1000 Genomes Project 0.00020.
gnomAD v4.1: 11 of 1,614,046 alleles (0.00068%); highest among the groups gnomAD compares: African/African-American, 0.012%; no homozygotes.

Submission:

Shaikh Laboratory, University of Colorado
Classification: Likely pathogenic. Last evaluated: 2015-10-22. Review status: criteria provided, single submitter. Criteria: ACMG Guidelines, 2015. Collection method: research. Allele origin: paternal. Inheritance: Autosomal recessive inheritance. Affected: yes. Observed: 2 variant alleles, 1 heterozygote, 1 compound heterozygote.

Literature cited by the submitters: PubMed 27148590.

NM_032824.3(TMEM87B):c.1366A>G (p.Asn456Asp)

Gene: TMEM87B (transmembrane protein 87B; plus strand). Cytogenetic location: 2q13.
Variant type: single nucleotide variant.
Coding change: c.1366A>G on transcript NM_032824.3 (MANE Select); coding-DNA position 1366, A replaced by G.
Protein change: p.Asn456Asp; replaces asparagine 456 with aspartic acid.
Molecular consequence: missense variant.
Genome position (GRCh38, 1-based): chr2:112,098,688, A>G. VCF-style: chr2-112098688-A-G. GRCh37 (hg19) VCF-style: chr2-112856265-A-G.
Other names: c.1366A>G, p.Asn456Asp (NM_001329914.2); short protein forms N456D.
Identifiers: ClinVar variation 223092 (VCV000223092.3), dbSNP rs369634007, ClinGen allele CA354903.